The following is an entry in ClinVar:

ClinVar aggregate classification (germline): Pathogenic (1 of 4 stars; one submission).

Conditions:
Muscular dystrophy-dystroglycanopathy (congenital with brain and eye anomalies), type a, 11 (MDDGA11). Also called: WALKER-WARBURG SYNDROME OR MUSCLE-EYE-BRAIN DISEASE, B3GALNT2-RELATED; Muscular dystrophy-dystroglycanopathy (congenital with brain and eye anomalies, type A, 11; Congenital muscular dystrophy-dystroglycanopathy with brain and eye anomalies, type A11. Identifiers: Orphanet 588, Orphanet 899, MedGen C3554638, MONDO:0014071, OMIM 615181.

Submission:

Juno Genomics, Hangzhou Juno Genomics, Inc
Classification: Pathogenic for Muscular dystrophy-dystroglycanopathy (congenital with brain and eye anomalies), type a, 11. Review status: criteria provided, single submitter. Criteria: ACMG Guidelines, 2015. Collection method: clinical testing. Allele origin: germline.
Comment: Absent from controls (or at extremely low frequency if recessive) in Genome Aggregation Database.;Null variant in a gene where loss of function (LOF) is a known mechanism of disease.;For recessive disorders, detected in trans with a pathogenic variant.

NM_152490.5(B3GALNT2):c.1052T>A (p.Leu351Ter)

Gene: B3GALNT2 (beta-1,3-N-acetylgalactosaminyltransferase 2; minus strand). Cytogenetic location: 1q42.3.
Variant type: single nucleotide variant.
Coding change: c.1052T>A on transcript NM_152490.5 (MANE Select); coding-DNA position 1052, T replaced by A.
Protein change: p.Leu351Ter; replaces leucine 351 with a stop codon.
Molecular consequence: nonsense.
Genome position (GRCh38, 1-based): chr1:235,455,658, A>T on the plus strand (T>A on the coding strand, the complement: B3GALNT2 is on the minus strand). VCF-style: chr1-235455658-A-T. GRCh37 (hg19) VCF-style: chr1-235618970-A-T.
Other names: short protein forms L351*.
Identifiers: ClinVar variation 5006286 (VCV005006286.2).